The following is an entry in ClinVar:

ClinVar aggregate classification (germline): Uncertain significance (1 of 4 stars; one submission).

gnomAD v4.1: 15 of 1,610,788 alleles (0.00093%); highest among the groups gnomAD compares: East Asian, 0.029%; no homozygotes.

Submission:

Labcorp Genetics (formerly Invitae), Labcorp
Classification: Uncertain significance. Last evaluated: 2026-01-20. Review status: criteria provided, single submitter. Criteria: Invitae Variant Classification Sherloc (09022015). Collection method: clinical testing. Allele origin: germline.
Comment: This sequence change falls in intron 6 of the PSMA3 gene. It does not directly change the encoded amino acid sequence of the PSMA3 protein. It affects a nucleotide within the consensus splice site. This variant is present in population databases (rs768060406, gnomAD 0.006%). This variant has not been reported in the literature in individuals affected with PSMA3-related conditions. Variants that disrupt the consensus splice site are a relatively common cause of aberrant splicing (PMID: 17576681, 9536098). Algorithms developed to predict the effect of sequence changes on RNA splicing suggest that this variant is not likely to affect RNA splicing. In summary, the available evidence is currently insufficient to determine the role of this variant in disease. Therefore, it has been classified as a Variant of Uncertain Significance.

Literature cited by the submitters: PubMed 17576681; PubMed 9536098.

NM_002788.4(PSMA3):c.478-3T>C

Gene: PSMA3 (proteasome 20S subunit alpha 3; plus strand). Cytogenetic location: 14q23.1.
Variant type: single nucleotide variant.
Coding change: c.478-3T>C on transcript NM_002788.4 (MANE Select); 3 bases into the intron before coding-DNA position 478, T replaced by C.
Molecular consequence: intron variant.
Genome position (GRCh38, 1-based): chr14:58,263,702, T>C. VCF-style: chr14-58263702-T-C. GRCh37 (hg19) VCF-style: chr14-58730420-T-C.
Other names: c.457-3T>C (NM_152132.3).
Identifiers: ClinVar variation 4696116 (VCV004696116.1).